The following is an entry in ClinVar:

NM_001330691.3(CEP78):c.1214C>T (p.Pro405Leu)

Gene: CEP78 (centrosomal protein 78; plus strand). Cytogenetic location: 9q21.2.
Variant type: single nucleotide variant.
Coding change: c.1214C>T on transcript NM_001330691.3 (MANE Select); coding-DNA position 1214, C replaced by T.
Protein change: p.Pro405Leu; replaces proline 405 with leucine.
Molecular consequence: missense variant.
Genome position (GRCh38, 1-based): chr9:78,253,240, C>T. VCF-style: chr9-78253240-C-T. GRCh37 (hg19) VCF-style: chr9-80868156-C-T.
Other names: c.1217C>T, p.Pro406Leu (NM_001098802.3, NM_001349839.2, NM_001349840.2 and 1 more transcripts); c.1214C>T, p.Pro405Leu (NM_001330693.3, NM_001330694.2, NM_001349838.2); short protein forms P405L, P406L.
Identifiers: ClinVar variation 667215 (VCV000667215.12), dbSNP rs539146413, ClinGen allele CA5095185.

ClinVar aggregate classification (germline): Conflicting classifications of pathogenicity. Review status: criteria provided, conflicting classifications (1 of 4 stars). 5 submissions from 5 submitters: Uncertain significance (3); Likely benign (1). 1 of the submissions does not count toward it. Last evaluated 2026-08-31.

Conditions:
CEP78-related disorder. Also called: CEP78-related condition.
Retinal dystrophy. Also called: Inherited retinal dystrophy. Identifiers: Orphanet 71862, MedGen C0854723, MeSH D058499, MONDO:0019118, HP:0000556.

Allele frequency attached by ClinVar (database versions not stated): gnomAD 0.00014; gnomAD exomes 0.00019; TOPMed 0.00020; ExAC 0.00032.
gnomAD v4.1: 213 of 1,347,264 alleles (0.016%); highest among the groups gnomAD compares: Non-Finnish European, 0.021%; no homozygotes.

Submissions (5):

PreventionGenetics, part of Exact Sciences
Classification: Uncertain significance for CEP78-related condition. Last evaluated: 2026-08-31. Review status: criteria provided, single submitter. Criteria: ACMG Guidelines, 2015. Collection method: clinical testing. Allele origin: germline.
Comment: The CEP78 c.1217C>T variant is predicted to result in the amino acid substitution p.Pro406Leu. To our knowledge, this variant has not been reported in the literature. This variant is reported in 0.040% of alleles in individuals of European (Non-Finnish) descent in gnomAD. At this time, the clinical significance of this variant is uncertain due to the absence of conclusive functional and genetic evidence.

Blueprint Genetics
Classification: Likely benign. Last evaluated: 2024-08-23. Review status: criteria provided, single submitter. Criteria: ACMG Guidelines, 2015. Collection method: clinical testing. Allele origin: germline.

Labcorp Genetics (formerly Invitae), Labcorp
Classification: Uncertain significance. Last evaluated: 2022-09-13. Review status: criteria provided, single submitter. Criteria: Invitae Variant Classification Sherloc (09022015). Collection method: clinical testing. Allele origin: germline.
Comment: This sequence change replaces proline, which is neutral and non-polar, with leucine, which is neutral and non-polar, at codon 406 of the CEP78 protein (p.Pro406Leu). This variant is present in population databases (rs539146413, gnomAD 0.04%). This variant has not been reported in the literature in individuals affected with CEP78-related conditions. ClinVar contains an entry for this variant (Variation ID: 667215). Advanced modeling of protein sequence and biophysical properties (such as structural, functional, and spatial information, amino acid conservation, physicochemical variation, residue mobility, and thermodynamic stability) performed at Invitae indicates that this missense variant is not expected to disrupt CEP78 protein function. In summary, the available evidence is currently insufficient to determine the role of this variant in disease. Therefore, it has been classified as a Variant of Uncertain Significance.

Laboratory for Molecular Medicine, Mass General Brigham Personalized Medicine
Classification: Uncertain significance. Last evaluated: 2018-07-25. Review status: criteria provided, single submitter. Criteria: LMM Criteria. Collection method: clinical testing. Allele origin: germline. Observed: 1 variant allele.
Comment: The p.Pro406Leu variant in CEP78 has not been previously reported in individuals with hearing loss or cone-rod dystrophy, but it has been identified in 0.04% (3 7/91650) of European chromosomes by the Genome Aggregation Database (gnomAD; dbSNP rs539146413). Computational prediction tool s and conservation analyses suggest that this variant may impact the protein, th ough this information is not predictive enough to determine pathogenicity. In s ummary, the clinical significance of the p.Pro406Leu variant is uncertain. ACMG /AMP Criteria applied: PM2_Supporting, PP3.

Institute of Human Genetics, Univ. Regensburg, Univ. Regensburg
Classification: Uncertain significance for Retinal dystrophy. Last evaluated: 2019-01-01. Review status: no assertion criteria provided. Criteria: ACMG Guidelines, 2015. Collection method: clinical testing. Allele origin: germline. Affected: yes. Not counted in ClinVar's aggregate classification.